The following is an entry in ClinVar:

NM_014516.4(CNOT3):c.1319T>G (p.Val440Gly)

Gene: CNOT3 (CCR4-NOT transcription complex subunit 3; plus strand). Cytogenetic location: 19q13.42.
Variant type: single nucleotide variant.
Coding change: c.1319T>G on transcript NM_014516.4 (MANE Select); coding-DNA position 1319, T replaced by G.
Protein change: p.Val440Gly; replaces valine 440 with glycine.
Molecular consequence: missense variant.
Genome position (GRCh38, 1-based): chr19:54,148,656, T>G. VCF-style: chr19-54148656-T-G. GRCh37 (hg19) VCF-style: chr19-54652391-T-G.
Other names: short protein forms V440G.
Identifiers: ClinVar variation 3393826 (VCV003393826.1).
Genomic context (GRCh38, chr19:54,148,656, plus strand): 5'-TTTCCATTTACTCTTTGTTCCCAGGTTACAGCTCAGTTGTGGCAGACAGCCCGGCAGAGG[T>G]GGCTTTGAGCAGCAGTGGGGGCAACAATGCCAGCAGCCAGGCCTTGGGCCCCCCTTCCGG-3'
Protein context (NP_055331.1, residues 430-450): SSVVADSPAE[Val440Gly]ALSSSGGNNA

ClinVar aggregate classification (germline): Uncertain significance (1 of 4 stars; one submission).

Submission:

GeneDx
Classification: Uncertain significance. Last evaluated: 2024-07-05. Review status: criteria provided, single submitter. Criteria: GeneDx Variant Classification Process June 2021. Collection method: clinical testing. Allele origin: germline. Affected: yes.
Comment: Not observed at significant frequency in large population cohorts (gnomAD); In silico analysis indicates that this missense variant does not alter protein structure/function; Has not been previously published as pathogenic or benign to our knowledge